The following is an entry in ClinVar:

NM_138576.4(BCL11B):c.2005T>C (p.Phe669Leu)

Gene: BCL11B (BCL11 transcription factor B; minus strand). Cytogenetic location: 14q32.2.
Variant type: single nucleotide variant.
Coding change: c.2005T>C on transcript NM_138576.4 (MANE Select); coding-DNA position 2005, T replaced by C.
Protein change: p.Phe669Leu; replaces phenylalanine 669 with leucine.
Molecular consequence: missense variant.
Genome position (GRCh38, 1-based): chr14:99,174,831, A>G on the plus strand (T>C on the coding strand, the complement: BCL11B is on the minus strand). VCF-style: chr14-99174831-A-G. GRCh37 (hg19) VCF-style: chr14-99641168-A-G.
Other names: c.2002T>C, p.Phe668Leu (NM_001282237.2); c.1789T>C, p.Phe597Leu (NM_001282238.2); c.1792T>C, p.Phe598Leu (NM_022898.3); short protein forms F668L, F597L, F598L, F669L.
Identifiers: ClinVar variation 1946188 (VCV001946188.5), dbSNP rs2503639965, ClinGen allele CA390934157.

ClinVar aggregate classification (germline): Uncertain significance (1 of 4 stars; one submission).

Submission:

Labcorp Genetics (formerly Invitae), Labcorp
Classification: Uncertain significance. Last evaluated: 2022-07-25. Review status: criteria provided, single submitter. Criteria: Invitae Variant Classification Sherloc (09022015). Collection method: clinical testing. Allele origin: germline.
Comment: In summary, the available evidence is currently insufficient to determine the role of this variant in disease. Therefore, it has been classified as a Variant of Uncertain Significance. Algorithms developed to predict the effect of missense changes on protein structure and function are either unavailable or do not agree on the potential impact of this missense change (SIFT: "Deleterious"; PolyPhen-2: "Benign"; Align-GVGD: "Class C0"). This variant has not been reported in the literature in individuals affected with BCL11B-related conditions. This variant is not present in population databases (gnomAD no frequency). This sequence change replaces phenylalanine, which is neutral and non-polar, with leucine, which is neutral and non-polar, at codon 669 of the BCL11B protein (p.Phe669Leu).